The following is an entry in ClinVar:

ClinVar aggregate classification (germline): Likely pathogenic (0 of 4 stars; one submission).

Conditions:
PCNT-related disorder. Also called: PCNT-related condition.

Submission:

PreventionGenetics, part of Exact Sciences
Classification: Likely pathogenic for PCNT-related condition. Last evaluated: 2023-12-14. Review status: no assertion criteria provided. Collection method: clinical testing. Allele origin: germline.
Comment: The PCNT c.7282G>T variant is predicted to result in premature protein termination (p.Glu2428*). To our knowledge, this variant has not been reported in the literature or in a large population database, indicating this variant is rare. Nonsense variants in PCNT are expected to be pathogenic. This variant is interpreted as likely pathogenic.

NM_006031.6(PCNT):c.7282G>T (p.Glu2428Ter)

Gene: PCNT (pericentrin; plus strand). Cytogenetic location: 21q22.3.
Variant type: single nucleotide variant.
Coding change: c.7282G>T on transcript NM_006031.6 (MANE Select); coding-DNA position 7282, G replaced by T.
Protein change: p.Glu2428Ter; replaces glutamic acid 2428 with a stop codon.
Molecular consequence: nonsense.
Genome position (GRCh38, 1-based): chr21:46,425,933, G>T. VCF-style: chr21-46425933-G-T. GRCh37 (hg19) VCF-style: chr21-47845847-G-T.
Other names: c.6928G>T, p.Glu2310Ter (NM_001315529.2); short protein forms E2310*, E2428*.
Identifiers: ClinVar variation 3349911 (VCV003349911.1), dbSNP rs778163048.
Genomic context (GRCh38, chr21:46,425,933, plus strand): 5'-GCGCTGTCAGAAGGCCTTGCACCCCCAAGCGGCGAGCCACACCCACCCCGGAAGGAAGAC[G>T]AGATACAGGACATCTCGCTCCATGGGGGAAAGACGCAGGTTTATTTTGCCCTTCACACAC-3'